The following is an entry in ClinVar:

ClinVar aggregate classification (germline): Pathogenic/Likely pathogenic. Review status: criteria provided, multiple submitters, no conflicts (2 of 4 stars). 2 submissions from 2 submitters: Pathogenic (1); Likely pathogenic (1). Last evaluated 2023-02-03.

Conditions:
Primary ciliary dyskinesia. Also called: Ciliary dyskinesia. Identifiers: Orphanet 244, MedGen C0008780, MONDO:0016575, HP:0012265.
Primary ciliary dyskinesia 10. Also called: CILIARY DYSKINESIA, PRIMARY, 10, WITH OR WITHOUT SITUS INVERSUS. Identifiers: Orphanet 244, MedGen C2675867, MONDO:0012918, OMIM 612518.

Submissions (2):

Revvity Omics, Revvity
Classification: Likely pathogenic for Primary ciliary dyskinesia 10. Last evaluated: 2023-02-03. Review status: criteria provided, single submitter. Criteria: ACMG Guidelines, 2015. Collection method: clinical testing. Allele origin: germline.

Labcorp Genetics (formerly Invitae), Labcorp
Classification: Pathogenic for Primary ciliary dyskinesia. Last evaluated: 2022-07-19. Review status: criteria provided, single submitter. Criteria: Invitae Variant Classification Sherloc (09022015). Collection method: clinical testing. Allele origin: germline.
Comment: For these reasons, this variant has been classified as Pathogenic. ClinVar contains an entry for this variant (Variation ID: 411172). This variant has not been reported in the literature in individuals affected with DNAAF2-related conditions. This variant is present in population databases (no rsID available, gnomAD 0.03%). This sequence change creates a premature translational stop signal (p.Glu387Glyfs*105) in the DNAAF2 gene. It is expected to result in an absent or disrupted protein product. Loss-of-function variants in DNAAF2 are known to be pathogenic (PMID: 19052621, 24498942).

Literature cited by the submitters: PubMed 19052621 (cited by Labcorp Genetics (formerly Invitae), Labcorp); PubMed 24498942 (cited by Labcorp Genetics (formerly Invitae), Labcorp).

NM_018139.3(DNAAF2):c.1156_1159dup (p.Glu387fs)

Genes: DNAAF2 (dynein axonemal assembly factor 2; minus strand), LOC130055542 (ATAC-STARR-seq lymphoblastoid silent region 5699; plus strand). Cytogenetic location: 14q21.3.
Variant type: Duplication.
Coding change: c.1156_1159dup on transcript NM_018139.3 (MANE Select); coding-DNA positions 1156 to 1159, 4 bases duplicated (GGGG; older notation c.1156_1159dupGGGG).
Protein change: p.Glu387fs; shifts the reading frame from glutamic acid 387.
Molecular consequence: frameshift variant.
Genome position (GRCh38, 1-based): chr14:49,633,991-49,633,994, CCCC duplicated on the plus strand (GGGG on the coding strand, the reverse complement: DNAAF2 is on the minus strand); duplicating any 4 consecutive bases within chr14:49,633,991-49,633,995 gives the same sequence; the c. name uses the placement nearest the transcript's 3' end. VCF-style (leftmost placement, unchanged base first): chr14-49633990-T-TCCCC. GRCh37 (hg19) VCF-style: chr14-50100708-T-TCCCC.
Other names: c.1156_1159dupGGGG (NM_018139.2); c.1156_1159dup, p.Glu387fs (NM_001083908.2); short protein forms E387fs.
Identifiers: ClinVar variation 411172 (VCV000411172.13), dbSNP rs902156961, ClinGen allele CA16614527.
Genomic context (GRCh38, chr14:49,633,990, plus strand): 5'-GCCCCAGCCACGCAGGTATCGTGGCCTCCGTCCTCCGCGCGACTCCTCGCGGGTCCCGCC[T>TCCCC]CCCCCTCGCGAGCGGAAGCGCAGGCCTGGCCGTCAGTTCCGGACCGGTCCGCGGACTCTT-3'